The following is an entry in ClinVar:

NM_004415.4(DSP):c.4363A>C (p.Thr1455Pro)

Gene: DSP (desmoplakin; plus strand). Cytogenetic location: 6p24.3.
Variant type: single nucleotide variant.
Coding change: c.4363A>C on transcript NM_004415.4 (MANE Select); coding-DNA position 4363, A replaced by C.
Protein change: p.Thr1455Pro; replaces threonine 1455 with proline.
Molecular consequence: missense variant. On other transcripts: intron variant (2).
Genome position (GRCh38, 1-based): chr6:7,580,553, A>C. VCF-style: chr6-7580553-A-C. GRCh37 (hg19) VCF-style: chr6-7580786-A-C.
Other names: c.4050+313A>C (NM_001319034.2); c.3582+781A>C (NM_001008844.3); short protein forms T1455P.
Identifiers: ClinVar variation 3072192 (VCV003072192.1), dbSNP rs2533928382, ClinGen allele CA362686143.

ClinVar aggregate classification (germline): Uncertain significance (1 of 4 stars; one submission).

Conditions:
Arrhythmogenic cardiomyopathy with wooly hair and keratoderma. Also called: PALMOPLANTAR KERATODERMA WITH LEFT VENTRICULAR CARDIOMYOPATHY AND WOOLLY HAIR; Carvajal syndrome; Dilated cardiomyopathy with woolly hair and keratoderma; Arrhythmogenic cardiomyopathy with woolly hair and keratoderma. Identifiers: Orphanet 65282, MedGen C1854063, MONDO:0011581, OMIM 605676.

Submission:

All of Us Research Program, National Institutes of Health
Classification: Uncertain significance for Arrhythmogenic cardiomyopathy with wooly hair and keratoderma. Last evaluated: 2023-06-26. Review status: criteria provided, single submitter. Criteria: ACMG Guidelines, 2015. Collection method: clinical testing. Allele origin: germline. Inheritance: Autosomal dominant inheritance. Observed: 1 variant allele, 1 heterozygote.
Comment: This missense variant replaces threonine with proline at codon 1455 of the DSP protein. Computational prediction suggests that this variant may not impact protein structure and function (internally defined REVEL score threshold <= 0.5, PMID: 27666373). To our knowledge, functional studies have not been reported for this variant. This variant has not been reported in individuals affected with DSP-related disorders in the literature. This variant has not been identified in the general population by the Genome Aggregation Database (gnomAD). The available evidence is insufficient to determine the role of this variant in disease conclusively. Therefore, this variant is classified as a Variant of Uncertain Significance.

This study involves interpretation of variants in research participants for the purpose of population health screening. Participant phenotype was not available at the time of variant classification. Additional details can be found in publication PMID: 35346344, PMCID: PMC8962531